The following is an entry in ClinVar:

NM_024757.5(EHMT1):c.3676_3677delinsGC (p.Phe1226Ala)

Gene: EHMT1 (euchromatic histone lysine methyltransferase 1; plus strand). Cytogenetic location: 9q34.3.
Variant type: Indel.
Coding change: c.3676_3677delinsGC on transcript NM_024757.5 (MANE Select); coding-DNA positions 3676 to 3677, TT replaced by GC.
Protein change: p.Phe1226Ala; replaces phenylalanine 1226 with alanine.
Molecular consequence: missense variant.
Genome position (GRCh38, 1-based): chr9:137,834,484-137,834,485, TT replaced by GC. VCF-style: chr9-137834484-TT-GC. GRCh37 (hg19) VCF-style: chr9-140728936-TT-GC.
Other names: c.3655_3656delinsGC, p.Phe1219Ala (NM_001354263.2); short protein forms F1219A, F1226A.
Identifiers: ClinVar variation 3901990 (VCV003901990.1).
Genomic context (GRCh38, chr9:137,834,484, plus strand): 5'-AACCTGGTGCCCGTGCGCGTGTTCATGGCCCACCAGGACCTGCGGTTCCCCCGGATCGCC[TT>GC]CTTCAGCACCCGCCTGATCGAGGCCGGCGAGCAGCTCGGGTACGCACCGCCCCGGCCCCT-3'
Protein context (NP_079033.4, residues 1216-1236): HQDLRFPRIA[Phe1226Ala]FSTRLIEAGE

ClinVar aggregate classification (germline): Uncertain significance (1 of 4 stars; one submission).

Conditions:
Kleefstra syndrome 1 (KLEFS1). Identifiers: Orphanet 261494, MedGen C0795833, MONDO:0027407, OMIM 610253.

Submission:

Laboratorio de Genetica e Diagnostico Molecular, Hospital Israelita Albert Einstein
Classification: Uncertain significance for Kleefstra syndrome 1. Last evaluated: 2024-09-13. Review status: criteria provided, single submitter. Criteria: ACMG Guidelines, 2015. Collection method: clinical testing. Allele origin: germline. Affected: yes.
Comment: ACMG classification criteria: PM2 supporting, PP3 supporting